The following is an entry in ClinVar:

NM_006662.3(SRCAP):c.5394G>A (p.Leu1798=)

Gene: SRCAP (Snf2 related CREBBP activator protein; plus strand). Cytogenetic location: 16p11.2.
Variant type: single nucleotide variant.
Coding change: c.5394G>A on transcript NM_006662.3 (MANE Select); coding-DNA position 5394, G replaced by A.
Protein change: p.Leu1798=; no amino-acid change (leucine 1798 retained).
Molecular consequence: synonymous variant.
Genome position (GRCh38, 1-based): chr16:30,724,818, G>A. VCF-style: chr16-30724818-G-A. GRCh37 (hg19) VCF-style: chr16-30736139-G-A.
Identifiers: ClinVar variation 2646399 (VCV002646399.25), dbSNP rs1327225604, ClinGen allele CA494909993.

ClinVar aggregate classification (germline): Likely benign. Review status: criteria provided, multiple submitters, no conflicts (2 of 4 stars). 2 submissions from 2 submitters: Likely benign (2). Last evaluated 2025-10-22.

Allele frequency attached by ClinVar (database versions not stated): gnomAD 0.00001; gnomAD exomes 0.00001; TOPMed 0.00002.
gnomAD v4.1: 12 of 1,613,720 alleles (0.00074%); highest among the groups gnomAD compares: Non-Finnish European, 0.001%; no homozygotes.

Submissions (2):

Labcorp Genetics (formerly Invitae), Labcorp
Classification: Likely benign. Last evaluated: 2025-10-22. Review status: criteria provided, single submitter. Criteria: Invitae Variant Classification Sherloc (09022015). Collection method: clinical testing. Allele origin: germline.

CeGaT Center for Human Genetics Tuebingen
Classification: Likely benign. Last evaluated: 2023-10-01. Review status: criteria provided, single submitter. Criteria: CeGaT Center For Human Genetics Tuebingen Variant Classification Criteria Version 2. Collection method: clinical testing. Allele origin: germline. Affected: yes. Observed: 1 variant allele.
Comment: SRCAP: BP4, BP7